The following is an entry in ClinVar:

ClinVar aggregate classification (germline): Uncertain significance. Review status: criteria provided, multiple submitters, no conflicts (2 of 4 stars). 6 submissions from 6 submitters: Uncertain significance (5). 1 of the submissions does not count toward it. Last evaluated 2025-02-22.

Conditions:
Hereditary cancer-predisposing syndrome. Also called: Hereditary neoplastic syndrome; Neoplastic Syndromes, Hereditary; Tumor predisposition; Hereditary Cancer Syndrome. Identifiers: Orphanet 140162, MedGen C0027672, MeSH D009386, MONDO:0015356.
Aplastic anemia. Identifiers: Orphanet 182040, Orphanet 88, MedGen C0002874, MONDO:0015909, OMIM 609135, HP:0001915.
Microcephaly, normal intelligence and immunodeficiency (NBS). Also called: IMMUNODEFICIENCY, MICROCEPHALY, AND CHROMOSOMAL INSTABILITY; SEEMANOVA SYNDROME II; Nijmegen breakage syndrome; Microcephaly with normal intelligence immunodeficiency and lymphoreticular malignancies; Nonsyndromal microcephaly autosomal recessive with normal intelligence; Seemanova syndrome 2. Identifiers: Orphanet 647, MedGen C0398791, MONDO:0009623, OMIM 251260.

Allele frequency attached by ClinVar (database versions not stated): gnomAD 0.00002; TOPMed 0.00002.
gnomAD v4.1: 18 of 1,613,494 alleles (0.0011%); highest among the groups gnomAD compares: African/African-American, 0.0027%; no homozygotes.

Submissions (6):

Labcorp Genetics (formerly Invitae), Labcorp
Classification: Uncertain significance for Microcephaly, normal intelligence and immunodeficiency. Last evaluated: 2025-02-22. Review status: criteria provided, single submitter. Criteria: Invitae Variant Classification Sherloc (09022015). Collection method: clinical testing. Allele origin: germline.
Comment: This sequence change replaces arginine, which is basic and polar, with glutamine, which is neutral and polar, at codon 714 of the NBN protein (p.Arg714Gln). This variant is present in population databases (rs753270166, gnomAD 0.006%). This variant has not been reported in the literature in individuals affected with NBN-related conditions. ClinVar contains an entry for this variant (Variation ID: 461541). An algorithm developed to predict the effect of missense changes on protein structure and function outputs the following: PolyPhen-2: "Benign". The glutamine amino acid residue is found in multiple mammalian species, which suggests that this missense change does not adversely affect protein function. In summary, the available evidence is currently insufficient to determine the role of this variant in disease. Therefore, it has been classified as a Variant of Uncertain Significance.

Baylor Genetics
Classification: Uncertain significance for Aplastic anemia. Last evaluated: 2023-10-26. Review status: criteria provided, single submitter. Criteria: ACMG Guidelines, 2015. Collection method: clinical testing. Allele origin: unknown.

GeneDx
Classification: Uncertain significance. Last evaluated: 2023-04-28. Review status: criteria provided, single submitter. Criteria: GeneDx Variant Classification Process June 2021. Collection method: clinical testing. Allele origin: germline. Affected: yes.
Comment: In silico analysis supports that this missense variant does not alter protein structure/function; Has not been previously published as pathogenic or benign to our knowledge

Ambry Genetics
Classification: Uncertain significance for Hereditary cancer-predisposing syndrome. Last evaluated: 2022-09-12. Review status: criteria provided, single submitter. Criteria: Ambry Variant Classification Scheme 2023. Collection method: clinical testing. Allele origin: germline.
Comment: The p.R714Q variant (also known as c.2141G>A), located in coding exon 14 of the NBN gene, results from a G to A substitution at nucleotide position 2141. The arginine at codon 714 is replaced by glutamine, an amino acid with highly similar properties. This amino acid position is well conserved in available vertebrate species; however, glutamine is the reference amino acid in other vertebrate species. In addition, this alteration is predicted to be tolerated by in silico analysis. Since supporting evidence is limited at this time, the clinical significance of this alteration remains unclear.

Genome-Nilou Lab
Classification: Uncertain significance for Microcephaly, normal intelligence and immunodeficiency. Last evaluated: 2021-11-07. Review status: criteria provided, single submitter. Criteria: ACMG Guidelines, 2015. Collection method: clinical testing. Allele origin: germline. Affected: no.

Natera, Inc.
Classification: Uncertain significance for Nijmegen breakage syndrome. Last evaluated: 2020-09-16. Review status: no assertion criteria provided. Collection method: clinical testing. Allele origin: germline. Not counted in ClinVar's aggregate classification.

NM_002485.5(NBN):c.2141G>A (p.Arg714Gln)

Gene: NBN (nibrin; minus strand). Cytogenetic location: 8q21.3.
Variant type: single nucleotide variant.
Coding change: c.2141G>A on transcript NM_002485.5 (MANE Select); coding-DNA position 2141, G replaced by A.
Protein change: p.Arg714Gln; replaces arginine 714 with glutamine.
Molecular consequence: missense variant.
Genome position (GRCh38, 1-based): chr8:89,943,296, C>T on the plus strand (G>A on the coding strand, the complement: NBN is on the minus strand). VCF-style: chr8-89943296-C-T. GRCh37 (hg19) VCF-style: chr8-90955524-C-T.
Other names: c.1895G>A, p.Arg632Gln (NM_001024688.3); short protein forms R714Q, R632Q.
Identifiers: ClinVar variation 461541 (VCV000461541.30), dbSNP rs753270166, ClinGen allele CA4802599.